The following is an entry in ClinVar:

ClinVar aggregate classification (germline): Uncertain significance (1 of 4 stars; one submission).

Conditions:
Cardiovascular phenotype. Identifiers: MedGen CN230736.

Submission:

Ambry Genetics
Classification: Uncertain significance for Cardiovascular phenotype. Last evaluated: 2020-11-30. Review status: criteria provided, single submitter. Criteria: Ambry Variant Classification Scheme 2023. Collection method: clinical testing. Allele origin: germline.
Comment: The p.A427T variant (also known as c.1279G>A), located in coding exon 12 of the CACNB2 gene, results from a G to A substitution at nucleotide position 1279. The alanine at codon 427 is replaced by threonine, an amino acid with similar properties. This amino acid position is not well conserved in available vertebrate species, and threonine is the reference amino acid in other vertebrate species. In addition, this alteration is predicted to be tolerated by in silico analysis. Since supporting evidence is limited at this time, the clinical significance of this alteration remains unclear.

NM_201596.3(CACNB2):c.1441G>A (p.Ala481Thr)

Gene: CACNB2 (calcium voltage-gated channel auxiliary subunit beta 2; plus strand). Cytogenetic location: 10p12.31.
Variant type: single nucleotide variant.
Coding change: c.1441G>A on transcript NM_201596.3 (MANE Select); coding-DNA position 1441, G replaced by A.
Protein change: p.Ala481Thr; replaces alanine 481 with threonine.
Molecular consequence: missense variant.
Genome position (GRCh38, 1-based): chr10:18,538,318, G>A. VCF-style: chr10-18538318-G-A. GRCh37 (hg19) VCF-style: chr10-18827247-G-A.
Other names: c.1276G>A, p.Ala426Thr (NM_000724.4); c.1243G>A, p.Ala415Thr (NM_001167945.2); c.1162G>A, p.Ala388Thr (NM_001330060.2); c.1183G>A, p.Ala395Thr (NM_001410882.1); c.1297G>A, p.Ala433Thr (NM_201570.3); c.1357G>A, p.Ala453Thr (NM_201571.4); c.1285G>A, p.Ala429Thr (NM_201572.4); c.1279G>A, p.Ala427Thr (NM_201590.3); and 2 more; short protein forms A443T, A457T, A429T, A388T, A415T, A427T, A433T, A481T.
Identifiers: ClinVar variation 1767368 (VCV001767368.2), dbSNP rs146623389, ClinGen allele CA376070541.